The following is an entry in ClinVar:

ClinVar aggregate classification (germline): Conflicting classifications of pathogenicity. Review status: criteria provided, conflicting classifications (1 of 4 stars). 5 submissions from 5 submitters: Uncertain significance (1); Benign (1); Likely benign (3). Last evaluated 2025-10-03.

Conditions:
Emery-Dreifuss muscular dystrophy 4, autosomal dominant (EDMD4). Also called: EMERY-DREIFUSS MUSCULAR DYSTROPHY 4 WITH VARIABLE FEATURES. Identifiers: Orphanet 261, MedGen C2751807, MONDO:0013071, OMIM 612998.
Autosomal recessive ataxia, Beauce type. Also called: SYNE1 Deficiency; SYNE1-Related Autosomal Recessive Cerebellar Ataxia; ATAXIA, RECESSIVE, OF BEAUCE; Spinocerebellar ataxia, autosomal recessive 8. Identifiers: Orphanet 88644, MedGen C1853116, MONDO:0012549, OMIM 610743.

Allele frequency attached by ClinVar (database versions not stated): ExAC 0.00025; TOPMed 0.00013; ESP Exome Variant Server 0.00015; gnomAD exomes 0.00016; gnomAD 0.00017 and 0.00018.
gnomAD v4.1: 255 of 1,614,120 alleles (0.016%); highest among the groups gnomAD compares: Non-Finnish European, 0.019%; no homozygotes.

Submissions (5):

Labcorp Genetics (formerly Invitae), Labcorp
Classification: Likely benign for Emery-Dreifuss muscular dystrophy 4, autosomal dominant; Autosomal recessive ataxia, Beauce type. Last evaluated: 2025-10-03. Review status: criteria provided, single submitter. Criteria: Invitae Variant Classification Sherloc (09022015). Collection method: clinical testing. Allele origin: germline.

CeGaT Center for Human Genetics Tuebingen
Classification: Likely benign. Last evaluated: 2025-04-01. Review status: criteria provided, single submitter. Criteria: CeGaT Center For Human Genetics Tuebingen Variant Classification Criteria Version 2. Collection method: clinical testing. Allele origin: germline. Affected: yes. Observed: 1 variant allele.
Comment: SYNE1: BP4, BP7

Blueprint Genetics
Classification: Likely benign. Last evaluated: 2024-08-31. Review status: criteria provided, single submitter. Criteria: ACMG Guidelines, 2015. Collection method: clinical testing. Allele origin: germline.

Athena Diagnostics
Classification: Benign. Last evaluated: 2019-12-06. Review status: criteria provided, single submitter. Criteria: Athena Diagnostics Criteria. Collection method: clinical testing. Allele origin: unknown.

Eurofins Ntd Llc (ga)
Classification: Uncertain significance. Last evaluated: 2015-11-21. Review status: criteria provided, single submitter. Criteria: EGL Classification Definitions 2015. Collection method: clinical testing. Allele origin: germline. Observed: 1 variant allele, 1 heterozygote.

NM_182961.4(SYNE1):c.24150C>T (p.His8050=)

Gene: SYNE1 (spectrin repeat containing nuclear envelope protein 1; minus strand). Cytogenetic location: 6q25.2.
Variant type: single nucleotide variant.
Coding change: c.24150C>T on transcript NM_182961.4 (MANE Select); coding-DNA position 24150, C replaced by T.
Protein change: p.His8050=; no amino-acid change (histidine 8050 retained).
Molecular consequence: synonymous variant.
Genome position (GRCh38, 1-based): chr6:152,152,121, G>A on the plus strand (C>T on the coding strand, the complement: SYNE1 is on the minus strand). VCF-style: chr6-152152121-G-A. GRCh37 (hg19) VCF-style: chr6-152473256-G-A.
Other names: c.756C>T, p.His252= (NM_001347701.2); c.615C>T, p.His205= (NM_001347702.2); c.23937C>T, p.His7979= (NM_033071.5).
Identifiers: ClinVar variation 284787 (VCV000284787.27), dbSNP rs140259310, ClinGen allele CA4053247.